The following is an entry in ClinVar:

NM_006267.5(RANBP2):c.2137A>C (p.Lys713Gln)

Gene: RANBP2 (RAN binding protein 2; plus strand). Cytogenetic location: 2q13.
Variant type: single nucleotide variant.
Coding change: c.2137A>C on transcript NM_006267.5 (MANE Select); coding-DNA position 2137, A replaced by C.
Protein change: p.Lys713Gln; replaces lysine 713 with glutamine.
Molecular consequence: missense variant.
Genome position (GRCh38, 1-based): chr2:108,753,906, A>C. VCF-style: chr2-108753906-A-C. GRCh37 (hg19) VCF-style: chr2-109370362-A-C.
Other names: short protein forms K713Q.
Identifiers: ClinVar variation 1057594 (VCV001057594.5), dbSNP rs1676102291, ClinGen allele CA348054385.
Genomic context (GRCh38, chr2:108,753,906, plus strand): 5'-GACATTGAAAATGATGCCCTTTCTCCTGAAGAACAAGAAGAATGCAAAAATTATCTGAGA[A>C]AGACCAGGGACTACCTAATAAAGATTATAGATGACAGTGATTCAAATCTTTCAGTGGTCA-3'
Protein context (NP_006258.3, residues 703-723): EQEECKNYLR[Lys713Gln]TRDYLIKIID

ClinVar aggregate classification (germline): Uncertain significance (1 of 4 stars; one submission).

Conditions:
Familial acute necrotizing encephalopathy (IIAE3). Also called: ENCEPHALOPATHY, ACUTE, INFECTION-INDUCED, SUSCEPTIBILITY TO, 3; Susceptibility to Acute Necrotizing Encephalopathy 1. Identifiers: Orphanet 88619, MedGen C2675556, MONDO:0011953, OMIM 608033.

Allele frequency attached by ClinVar (database versions not stated): gnomAD exomes below 0.00001; TOPMed below 0.00001.
gnomAD v4.1: 1 of 1,612,046 alleles (0.000062%); highest among the groups gnomAD compares: African/African-American, 0.0013%; no homozygotes.

Submission:

Labcorp Genetics (formerly Invitae), Labcorp
Classification: Uncertain significance for Familial acute necrotizing encephalopathy. Last evaluated: 2020-02-18. Review status: criteria provided, single submitter. Criteria: Invitae Variant Classification Sherloc (09022015). Collection method: clinical testing. Allele origin: germline.
Comment: This variant is not present in population databases (ExAC no frequency). This sequence change replaces lysine with glutamine at codon 713 of the RANBP2 protein (p.Lys713Gln). The lysine residue is highly conserved and there is a small physicochemical difference between lysine and glutamine. This variant has not been reported in the literature in individuals with RANBP2-related conditions. Algorithms developed to predict the effect of missense changes on protein structure and function are either unavailable or do not agree on the potential impact of this missense change (SIFT: "Deleterious"; PolyPhen-2: "Benign"; Align-GVGD: "Class C45"). In summary, the available evidence is currently insufficient to determine the role of this variant in disease. Therefore, it has been classified as a Variant of Uncertain Significance.